The following is an entry in ClinVar:

NM_000143.4(FH):c.26C>G (p.Ala9Gly)

Gene: FH (fumarate hydratase; minus strand). Cytogenetic location: 1q43.
Variant type: single nucleotide variant.
Coding change: c.26C>G on transcript NM_000143.4 (MANE Select); coding-DNA position 26, C replaced by G.
Protein change: p.Ala9Gly; replaces alanine 9 with glycine.
Molecular consequence: missense variant.
Genome position (GRCh38, 1-based): chr1:241,519,697, G>C on the plus strand (C>G on the coding strand, the complement: FH is on the minus strand). VCF-style: chr1-241519697-G-C. GRCh37 (hg19) VCF-style: chr1-241682997-G-C.
Other names: short protein forms A9G.
Identifiers: ClinVar variation 485559 (VCV000485559.24), dbSNP rs766915154, ClinGen allele CA40338096.

ClinVar aggregate classification (germline): Conflicting classifications of pathogenicity. Review status: criteria provided, conflicting classifications (1 of 4 stars). 6 submissions from 6 submitters: Uncertain significance (4); Likely benign (1). 1 of the submissions does not count toward it. Last evaluated 2025-12-09.

Conditions:
Hereditary cancer-predisposing syndrome. Also called: Hereditary neoplastic syndrome; Neoplastic Syndromes, Hereditary; Tumor predisposition; Hereditary Cancer Syndrome. Identifiers: Orphanet 140162, MedGen C0027672, MeSH D009386, MONDO:0015356.
Fumarase deficiency (FMRD). Also called: Fumarate Hydratase Deficiency; Fumaric aciduria. Identifiers: Orphanet 24, MedGen C0342770, MONDO:0011730, OMIM 606812.

Allele frequency attached by ClinVar (database versions not stated): gnomAD exomes 0.00001; TOPMed 0.00002.

Submissions (6):

Labcorp Genetics (formerly Invitae), Labcorp
Classification: Uncertain significance. Last evaluated: 2025-12-09. Review status: criteria provided, single submitter. Criteria: Invitae Variant Classification Sherloc (09022015). Collection method: clinical testing. Allele origin: germline.
Comment: This sequence change replaces alanine, which is neutral and non-polar, with glycine, which is neutral and non-polar, at codon 9 of the FH protein (p.Ala9Gly). This variant is present in population databases (rs766915154, gnomAD 0.002%). This variant has not been reported in the literature in individuals affected with FH-related conditions. ClinVar contains an entry for this variant (Variation ID: 485559). Invitae Evidence Modeling of protein sequence and biophysical properties (such as structural, functional, and spatial information, amino acid conservation, physicochemical variation, residue mobility, and thermodynamic stability) indicates that this missense variant is not expected to disrupt FH protein function with a negative predictive value of 95%. In summary, the available evidence is currently insufficient to determine the role of this variant in disease. Therefore, it has been classified as a Variant of Uncertain Significance.

Blueprint Genetics
Classification: Uncertain significance. Last evaluated: 2024-07-03. Review status: criteria provided, single submitter. Criteria: ACMG Guidelines, 2015. Collection method: clinical testing. Allele origin: germline.

GeneDx
Classification: Uncertain significance. Last evaluated: 2024-04-25. Review status: criteria provided, single submitter. Criteria: GeneDx Variant Classification Process June 2021. Collection method: clinical testing. Allele origin: germline. Affected: yes.
Comment: Not observed at significant frequency in large population cohorts (gnomAD); In silico analysis indicates that this missense variant does not alter protein structure/function; Has not been previously published as pathogenic or benign to our knowledge

Baylor Genetics
Classification: Uncertain significance for Fumarase deficiency. Last evaluated: 2023-04-10. Review status: criteria provided, single submitter. Criteria: ACMG Guidelines, 2015. Collection method: clinical testing. Allele origin: unknown.

Ambry Genetics
Classification: Likely benign for Hereditary cancer-predisposing syndrome. Last evaluated: 2022-11-17. Review status: criteria provided, single submitter. Criteria: Ambry Variant Classification Scheme 2023. Collection method: clinical testing. Allele origin: germline.

Natera, Inc.
Classification: Uncertain significance for Fumarase Deficiency. Last evaluated: 2021-01-31. Review status: no assertion criteria provided. Collection method: clinical testing. Allele origin: germline. Not counted in ClinVar's aggregate classification.